The following is an entry in ClinVar:

ClinVar aggregate classification (germline): Uncertain significance (1 of 4 stars; one submission).

Conditions:
Tuberous sclerosis 1 (TSC1). Identifiers: Orphanet 805, MedGen C1854465, MONDO:0008612, OMIM 191100.

Submission:

Labcorp Genetics (formerly Invitae), Labcorp
Classification: Uncertain significance for Tuberous sclerosis 1. Last evaluated: 2024-05-13. Review status: criteria provided, single submitter. Criteria: Invitae Variant Classification Sherloc (09022015). Collection method: clinical testing. Allele origin: germline.
Comment: This sequence change replaces glutamic acid, which is acidic and polar, with glycine, which is neutral and non-polar, at codon 474 of the TSC1 protein (p.Glu474Gly). This variant is not present in population databases (gnomAD no frequency). This variant has not been reported in the literature in individuals affected with TSC1-related conditions. Advanced modeling of protein sequence and biophysical properties (such as structural, functional, and spatial information, amino acid conservation, physicochemical variation, residue mobility, and thermodynamic stability) performed at Invitae indicates that this missense variant is not expected to disrupt TSC1 protein function with a negative predictive value of 95%. In summary, the available evidence is currently insufficient to determine the role of this variant in disease. Therefore, it has been classified as a Variant of Uncertain Significance.

NM_000368.5(TSC1):c.1421A>G (p.Glu474Gly)

Gene: TSC1 (TSC complex subunit 1; minus strand). Cytogenetic location: 9q34.13.
Variant type: single nucleotide variant.
Coding change: c.1421A>G on transcript NM_000368.5 (MANE Select); coding-DNA position 1421, A replaced by G.
Protein change: p.Glu474Gly; replaces glutamic acid 474 with glycine.
Molecular consequence: missense variant. On other transcripts: non-coding transcript variant (5).
Genome position (GRCh38, 1-based): chr9:132,906,748, T>C on the plus strand (A>G on the coding strand, the complement: TSC1 is on the minus strand). VCF-style: chr9-132906748-T-C. GRCh37 (hg19) VCF-style: chr9-135782135-T-C.
Other names: c.1418A>G, p.Glu473Gly (NM_001162426.2, NM_001406603.1, NM_001406604.1 and 6 more transcripts); c.1268A>G, p.Glu423Gly (NM_001162427.2, NM_001406610.1); c.1058A>G, p.Glu353Gly (NM_001362177.2, NM_001406624.1, NM_001406614.1 and 5 more transcripts); c.1421A>G, p.Glu474Gly (NM_001406601.1, NM_001406602.1, NM_001406605.1 and 7 more transcripts); c.1055A>G, p.Glu352Gly (NM_001406620.1, NM_001406621.1, NM_001406622.1 and 2 more transcripts); c.470A>G, p.Glu157Gly (NM_001406626.1); c.467A>G, p.Glu156Gly (NM_001406627.1, NM_001406628.1); c.368A>G, p.Glu123Gly (NM_001406629.1, NM_001406630.1); and 1 more; short protein forms E123G, E423G, E473G, E352G, E474G, E156G, E157G, E422G.
Identifiers: ClinVar variation 3653181 (VCV003653181.2).